The following is an entry in ClinVar:

NM_021072.4(HCN1):c.528T>C (p.Ile176=)

Gene: HCN1 (hyperpolarization activated cyclic nucleotide gated potassium channel 1; minus strand). Cytogenetic location: 5p12.
Variant type: single nucleotide variant.
Coding change: c.528T>C on transcript NM_021072.4 (MANE Select); coding-DNA position 528, T replaced by C.
Protein change: p.Ile176=; no amino-acid change (isoleucine 176 retained).
Molecular consequence: synonymous variant.
Genome position (GRCh38, 1-based): chr5:45,645,506, A>G on the plus strand (T>C on the coding strand, the complement: HCN1 is on the minus strand). VCF-style: chr5-45645506-A-G. GRCh37 (hg19) VCF-style: chr5-45645608-A-G.
Identifiers: ClinVar variation 92010 (VCV000092010.2), dbSNP rs386352316, ClinGen allele CA232345.
Genomic context (GRCh38, chr5:45,645,506, plus strand): 5'-AGTCCTAAAATTCATGATCAGGTCCAATAGGAAAACTGTATCTGATGCCACATTGAAAAT[A>G]ATCCATGGTGTTGTTGTTTGCTCTGTAAAGAATGTGATTCCAACTGGTATGATGACTAGA-3'
Protein context (NP_066550.2, residues 166-186): FFTEQTTTPW[Ile176=]IFNVASDTVF

ClinVar aggregate classification (germline): Uncertain significance (0 of 4 stars; one submission).

Submission:

Richard Lifton Laboratory, Yale University School of Medicine
Classification: Uncertain significance. Review status: no assertion criteria provided. Collection method: not provided. Allele origin: somatic.
Comment: HCN1
ClinVar note: Converted during submission from unknown to Uncertain significance.